The following is an entry in ClinVar:

NM_000098.3(CPT2):c.925A>G (p.Ser309Gly)

Gene: CPT2 (carnitine palmitoyltransferase 2; plus strand). Cytogenetic location: 1p32.3.
Variant type: single nucleotide variant.
Coding change: c.925A>G on transcript NM_000098.3 (MANE Select); coding-DNA position 925, A replaced by G.
Protein change: p.Ser309Gly; replaces serine 309 with glycine.
Molecular consequence: missense variant.
Genome position (GRCh38, 1-based): chr1:53,210,599, A>G. VCF-style: chr1-53210599-A-G. GRCh37 (hg19) VCF-style: chr1-53676271-A-G.
Other names: c.925A>G, p.Ser309Gly (NM_001330589.2); short protein forms S309G.
Identifiers: ClinVar variation 850934 (VCV000850934.7), dbSNP rs1645417252, ClinGen allele CA340394135.
Genomic context (GRCh38, chr1:53,210,599, plus strand): 5'-GCATACCTGACCAGTGAGAACCGAGACATCTGGGCAGAGCTCAGGCAGAAGCTGATGAGT[A>G]GTGGCAATGAGGAGAGCCTGAGGAAAGTGGACTCGGCAGTGTTCTGTCTCTGCCTAGATG-3'
Protein context (NP_000089.1, residues 299-319): WAELRQKLMS[Ser309Gly]GNEESLRKVD

ClinVar aggregate classification (germline): Uncertain significance (1 of 4 stars; one submission).

Conditions:
Carnitine palmitoyltransferase II deficiency. Also called: Carnitine Palmitoyltransferase 2 Deficiency. Identifiers: Orphanet 157, MedGen C0342790, MONDO:0015515.

Allele frequency attached by ClinVar (database versions not stated): gnomAD exomes below 0.00001.

Submission:

Labcorp Genetics (formerly Invitae), Labcorp
Classification: Uncertain significance for Carnitine palmitoyltransferase II deficiency. Last evaluated: 2021-09-01. Review status: criteria provided, single submitter. Criteria: Invitae Variant Classification Sherloc (09022015). Collection method: clinical testing. Allele origin: germline.
Comment: This sequence change replaces serine with glycine at codon 309 of the CPT2 protein (p.Ser309Gly). The serine residue is weakly conserved and there is a small physicochemical difference between serine and glycine. This variant is not present in population databases (ExAC no frequency). This variant has not been reported in the literature in individuals affected with CPT2-related conditions. Algorithms developed to predict the effect of missense changes on protein structure and function output the following: SIFT: "Tolerated"; PolyPhen-2: "Benign"; Align-GVGD: "Class C0". The glycine amino acid residue is found in multiple mammalian species, which suggests that this missense change does not adversely affect protein function. In summary, the available evidence is currently insufficient to determine the role of this variant in disease. Therefore, it has been classified as a Variant of Uncertain Significance.